The following is an entry in ClinVar:

ClinVar aggregate classification (germline): Uncertain significance. Review status: criteria provided, multiple submitters, no conflicts (2 of 4 stars). 2 submissions from 2 submitters: Uncertain significance (2). Last evaluated 2022-09-06.

Conditions:
Inborn genetic diseases. Identifiers: MedGen C0950123, MeSH D030342.
Peroxisome biogenesis disorder 2B (PBD2B). Identifiers: Orphanet 44, MedGen C3550234, MONDO:0008736, OMIM 202370.

Submissions (2):

Labcorp Genetics (formerly Invitae), Labcorp
Classification: Uncertain significance for Peroxisome biogenesis disorder 2B. Last evaluated: 2022-09-06. Review status: criteria provided, single submitter. Criteria: Invitae Variant Classification Sherloc (09022015). Collection method: clinical testing. Allele origin: germline.
Comment: This sequence change replaces arginine, which is basic and polar, with proline, which is neutral and non-polar, at codon 590 of the PEX5 protein (p.Arg590Pro). This variant is not present in population databases (gnomAD no frequency). This variant has not been reported in the literature in individuals affected with PEX5-related conditions. Algorithms developed to predict the effect of missense changes on protein structure and function are either unavailable or do not agree on the potential impact of this missense change (SIFT: "Tolerated"; PolyPhen-2: "Possibly Damaging"; Align-GVGD: "Class C0"). In summary, the available evidence is currently insufficient to determine the role of this variant in disease. Therefore, it has been classified as a Variant of Uncertain Significance.

Ambry Genetics
Classification: Uncertain significance for Inborn genetic diseases. Last evaluated: 2022-01-26. Review status: criteria provided, single submitter. Criteria: Ambry Variant Classification Scheme 2023. Collection method: clinical testing. Allele origin: germline.

NM_001351132.2(PEX5):c.1769G>C (p.Arg590Pro)

Gene: PEX5 (peroxisomal biogenesis factor 5; plus strand). Cytogenetic location: 12p13.31.
Variant type: single nucleotide variant.
Coding change: c.1769G>C on transcript NM_001351132.2 (MANE Select); coding-DNA position 1769, G replaced by C.
Protein change: p.Arg590Pro; replaces arginine 590 with proline.
Molecular consequence: missense variant.
Genome position (GRCh38, 1-based): chr12:7,210,072, G>C. VCF-style: chr12-7210072-G-C. GRCh37 (hg19) VCF-style: chr12-7362668-G-C.
Other names: c.1745G>C, p.Arg582Pro (NM_000319.5); c.1814G>C, p.Arg605Pro (NM_001131023.2); c.1658G>C, p.Arg553Pro (NM_001131024.2, NM_001351124.3, NM_001351126.2 and 7 more transcripts); c.1769G>C, p.Arg590Pro (NM_001131025.2, NM_001131026.2, NM_001300789.3 and 4 more transcripts); c.1703G>C, p.Arg568Pro (NM_001351135.3, NM_001351138.2); c.1760G>C, p.Arg587Pro (NM_001351136.2); c.1634G>C, p.Arg545Pro (NM_001351139.2, NM_001351140.2, NM_001374649.2); short protein forms R568P, R553P, R605P, R587P, R545P, R582P, R590P.
Identifiers: ClinVar variation 2068786 (VCV002068786.2), dbSNP rs779049461, ClinGen allele CA383739546.